The following is an entry in ClinVar:

NM_001256715.2(DNAAF3):c.871G>A (p.Asp291Asn)

Genes: DNAAF3 (dynein axonemal assembly factor 3; minus strand), DNAAF3-AS1 (DNAAF3 antisense RNA 1; plus strand). Cytogenetic location: 19q13.42.
Variant type: single nucleotide variant.
Coding change: c.871G>A on transcript NM_001256715.2 (MANE Select); coding-DNA position 871, G replaced by A.
Protein change: p.Asp291Asn; replaces aspartic acid 291 with asparagine.
Molecular consequence: missense variant.
Genome position (GRCh38, 1-based): chr19:55,161,106, C>T on the plus strand (G>A on the coding strand, the complement: DNAAF3 is on the minus strand). VCF-style: chr19-55161106-C-T. GRCh37 (hg19) VCF-style: chr19-55672474-C-T.
Other names: c.1075G>A, p.Asp359Asn (NM_001256714.1); c.709G>A, p.Asp237Asn (NM_001256716.2); c.1012G>A, p.Asp338Asn (NM_178837.4); short protein forms D359N, D237N, D291N, D338N.
Identifiers: ClinVar variation 1981698 (VCV001981698.4), dbSNP rs2085820367, ClinGen allele CA407452407.

ClinVar aggregate classification (germline): Uncertain significance. Review status: criteria provided, multiple submitters, no conflicts (2 of 4 stars). 2 submissions from 2 submitters: Uncertain significance (2). Last evaluated 2024-04-15.

Conditions:
Primary ciliary dyskinesia. Also called: Ciliary dyskinesia. Identifiers: Orphanet 244, MedGen C0008780, MONDO:0016575, HP:0012265.
Primary ciliary dyskinesia 2. Also called: CILIARY DYSKINESIA, PRIMARY, 2, WITH OR WITHOUT SITUS INVERSUS. Identifiers: Orphanet 244, MedGen C1847554, MONDO:0011718, OMIM 606763.

Allele frequency attached by ClinVar (database versions not stated): gnomAD exomes below 0.00001; TOPMed below 0.00001.

Submissions (2):

Labcorp Genetics (formerly Invitae), Labcorp
Classification: Uncertain significance for Primary ciliary dyskinesia. Last evaluated: 2024-04-15. Review status: criteria provided, single submitter. Criteria: Invitae Variant Classification Sherloc (09022015). Collection method: clinical testing. Allele origin: germline.
Comment: This sequence change replaces aspartic acid, which is acidic and polar, with asparagine, which is neutral and polar, at codon 359 of the DNAAF3 protein (p.Asp359Asn). This variant is not present in population databases (gnomAD no frequency). This variant has not been reported in the literature in individuals affected with DNAAF3-related conditions. ClinVar contains an entry for this variant (Variation ID: 1981698). Advanced modeling of protein sequence and biophysical properties (such as structural, functional, and spatial information, amino acid conservation, physicochemical variation, residue mobility, and thermodynamic stability) performed at Invitae indicates that this missense variant is not expected to disrupt DNAAF3 protein function with a negative predictive value of 80%. In summary, the available evidence is currently insufficient to determine the role of this variant in disease. Therefore, it has been classified as a Variant of Uncertain Significance.

Genomic Medicine Center of Excellence, King Faisal Specialist Hospital and Research Centre
Classification: Uncertain significance for Primary ciliary dyskinesia 2. Last evaluated: 2024-04-04. Review status: criteria provided, single submitter. Criteria: ACMG Guidelines, 2015. Collection method: clinical testing. Allele origin: germline.